The following is an entry in ClinVar:

NM_006084.5(IRF9):c.407G>T (p.Ser136Ile)

Gene: IRF9 (interferon regulatory factor 9; plus strand). Cytogenetic location: 14q12.
Variant type: single nucleotide variant.
Coding change: c.407G>T on transcript NM_006084.5 (MANE Select); coding-DNA position 407, G replaced by T.
Protein change: p.Ser136Ile; replaces serine 136 with isoleucine.
Molecular consequence: missense variant.
Genome position (GRCh38, 1-based): chr14:24,163,420, G>T. VCF-style: chr14-24163420-G-T. GRCh37 (hg19) VCF-style: chr14-24632629-G-T.
Other names: c.407G>T (NM_006084.4); c.407G>T, p.Ser136Ile (NM_001385400.1, NM_001385401.1, NM_001385402.1); short protein forms S136I.
Identifiers: ClinVar variation 3377534 (VCV003377534.2).
Genomic context (GRCh38, chr14:24,163,420, plus strand): 5'-CCCTCAACAATTCCACAGGCCAGCCAGGGACTCAGAAAGTACCATCAAAGCGACAGCACA[G>T]TTCTGTGTCCTCTGAGAGGAAGGAGGAAGAGGATGCCATGCAGAACTGCACACTCAGTCC-3'
Protein context (NP_006075.3, residues 126-146): TQKVPSKRQH[Ser136Ile]SVSSERKEEE

ClinVar aggregate classification (germline): Uncertain significance. Review status: criteria provided, multiple submitters, no conflicts (2 of 4 stars). 2 submissions from 2 submitters: Uncertain significance (2). Last evaluated 2025-08-21.

Conditions:
Immunodeficiency 65, susceptibility to viral infections. Identifiers: MedGen C5231441, MONDO:0032848, OMIM 618648.

gnomAD v4.1: 1 of 1,614,184 alleles (0.000062%); no homozygotes.

Submissions (2):

Ambry Genetics
Classification: Uncertain significance. Last evaluated: 2025-08-21. Review status: criteria provided, single submitter. Criteria: Ambry Variant Classification Scheme 2023. Collection method: clinical testing. Allele origin: germline.

Neuberg Centre For Genomic Medicine, NCGM
Classification: Uncertain significance for Immunodeficiency 65, susceptibility to viral infections. Last evaluated: 2023-06-22. Review status: criteria provided, single submitter. Criteria: ACMG Guidelines, 2015. Collection method: clinical testing. Allele origin: germline. Inheritance: Autosomal recessive inheritance. Affected: yes.
Comment: The missense variant c.407G>T (p.Ser136Ile) in the IRF9 gene has not been reported previously as a pathogenic variant nor as a benign variant, to our knowledge. This variant is absent in the gnomAD Exomes. The amino acid Serine at position 136 is changed to a Isoleucine changing protein sequence and it might alter its composition and physico-chemical properties. Multiple lines of computational evidence (Polyphen - Damaging, SIFT - Damaging and MutationTaster - Disease causing) predict a damaging effect on protein structure and function for this variant. The amino acid change p.Ser136Ile in IRF9 is predicted as conserved by GERP++ and PhyloP across 100 vertebrates. For these reasons, this variant has been classified as Uncertain Significance. In the absence of another reportable variant, the molecular diagnosis is not confirmed.